The following is an entry in ClinVar:

NM_002626.6(PFKL):c.324C>T (p.His108=)

Gene: PFKL (phosphofructokinase, liver type; plus strand). Cytogenetic location: 21q22.3.
Variant type: single nucleotide variant.
Coding change: c.324C>T on transcript NM_002626.6 (MANE Select); coding-DNA position 324, C replaced by T.
Protein change: p.His108=; no amino-acid change (histidine 108 retained).
Molecular consequence: synonymous variant.
Genome position (GRCh38, 1-based): chr21:44,312,191, C>T. VCF-style: chr21-44312191-C-T. GRCh37 (hg19) VCF-style: chr21-45732074-C-T.
Other names: c.474C>T, p.His158= (NM_001002021.3).
Identifiers: ClinVar variation 4979350 (VCV004979350.1).
Genomic context (GRCh38, chr21:44,312,191, plus strand): 5'-CTGCAAGGCCTTTACCACCAGGGAGGGGCGCCGGGCAGCGGCCTACAACCTGGTCCAGCA[C>T]GGCATCACCAACCTGTGCGTCATCGGCGGGGATGGCAGCCTCACAGGTGCCAACATCTTC-3'
Protein context (NP_002617.3, residues 98-118): RRAAAYNLVQ[His108=]GITNLCVIGG

ClinVar aggregate classification (germline): Likely benign (1 of 4 stars; one submission).

Conditions:
PFKL-related disorder. Also called: PFKL-related condition.

gnomAD v4.1: 170 of 1,605,866 alleles (0.011%); highest among the groups gnomAD compares: Admixed American, 0.017%; 1 homozygote.

Submission:

PreventionGenetics, part of Exact Sciences
Classification: Likely benign for PFKL-related condition. Last evaluated: 2025-05-23. Review status: criteria provided, single submitter. Criteria: ACMG Guidelines, 2015. Collection method: clinical testing. Allele origin: germline.
Comment: This variant is classified as likely benign based on ACMG/AMP sequence variant interpretation guidelines (Richards et al. 2015 PMID: 25741868, with internal and published modifications).